The following is an entry in ClinVar:

NM_017433.5(MYO3A):c.2380A>G (p.Ser794Gly)

Gene: MYO3A (myosin IIIA; plus strand). Cytogenetic location: 10p12.1.
Variant type: single nucleotide variant.
Coding change: c.2380A>G on transcript NM_017433.5 (MANE Select); coding-DNA position 2380, A replaced by G.
Protein change: p.Ser794Gly; replaces serine 794 with glycine.
Molecular consequence: missense variant.
Genome position (GRCh38, 1-based): chr10:26,143,565, A>G. VCF-style: chr10-26143565-A-G. GRCh37 (hg19) VCF-style: chr10-26432494-A-G.
Other names: short protein forms S794G.
Identifiers: ClinVar variation 3700272 (VCV003700272.2).
Genomic context (GRCh38, chr10:26,143,565, plus strand): 5'-CCCCTCTTAGATATGTTTCTGCAAAAGCCAATGGGTTTACTTTCCCTACTTGATGAAGAA[A>G]GTAGATTTCCCAAGGCCACTGACCAGACTCTTGTAGGTGAGTTTTCAGTCCAGTGTGTCT-3'
Protein context (NP_059129.3, residues 784-804): MGLLSLLDEE[Ser794Gly]RFPKATDQTL

ClinVar aggregate classification (germline): Uncertain significance (1 of 4 stars; one submission).

gnomAD v4.1: 9 of 1,614,104 alleles (0.00056%); highest among the groups gnomAD compares: Non-Finnish European, 0.00068%; 1 homozygote.

Submission:

Labcorp Genetics (formerly Invitae), Labcorp
Classification: Uncertain significance. Last evaluated: 2024-05-14. Review status: criteria provided, single submitter. Criteria: Invitae Variant Classification Sherloc (09022015). Collection method: clinical testing. Allele origin: germline.
Comment: This sequence change replaces serine, which is neutral and polar, with glycine, which is neutral and non-polar, at codon 794 of the MYO3A protein (p.Ser794Gly). This variant is present in population databases (no rsID available, gnomAD 0.0009%). This variant has not been reported in the literature in individuals affected with MYO3A-related conditions. Advanced modeling of protein sequence and biophysical properties (such as structural, functional, and spatial information, amino acid conservation, physicochemical variation, residue mobility, and thermodynamic stability) performed at Invitae indicates that this missense variant is not expected to disrupt MYO3A protein function with a negative predictive value of 80%. In summary, the available evidence is currently insufficient to determine the role of this variant in disease. Therefore, it has been classified as a Variant of Uncertain Significance.